The following is an entry in ClinVar:

ClinVar aggregate classification (germline): Uncertain significance. Review status: criteria provided, single submitter (1 of 4 stars). 2 submissions from 2 submitters: Uncertain significance (1). 1 of the submissions does not count toward it. Last evaluated 2022-02-05.

Conditions:
Primary ciliary dyskinesia. Also called: Ciliary dyskinesia. Identifiers: Orphanet 244, MedGen C0008780, MONDO:0016575, HP:0012265.

Allele frequency attached by ClinVar (database versions not stated): gnomAD below 0.00001 and 0.00001; gnomAD exomes 0.00001; TOPMed 0.00001.

Submissions (2):

Labcorp Genetics (formerly Invitae), Labcorp
Classification: Uncertain significance for Primary ciliary dyskinesia. Last evaluated: 2022-02-05. Review status: criteria provided, single submitter. Criteria: Invitae Variant Classification Sherloc (09022015). Collection method: clinical testing. Allele origin: germline.
Comment: This sequence change falls in intron 4 of the DNAI2 gene. It does not directly change the encoded amino acid sequence of the DNAI2 protein. It affects a nucleotide within the consensus splice site. This variant is not present in population databases (gnomAD no frequency). This variant has not been reported in the literature in individuals affected with DNAI2-related conditions. ClinVar contains an entry for this variant (Variation ID: 642362). Variants that disrupt the consensus splice site are a relatively common cause of aberrant splicing (PMID: 17576681, 9536098). Algorithms developed to predict the effect of sequence changes on RNA splicing suggest that this variant is not likely to affect RNA splicing. In summary, the available evidence is currently insufficient to determine the role of this variant in disease. Therefore, it has been classified as a Variant of Uncertain Significance.

Natera, Inc.
Classification: Uncertain significance for Primary ciliary dyskinesia. Last evaluated: 2020-10-07. Review status: no assertion criteria provided. Collection method: clinical testing. Allele origin: germline. Not counted in ClinVar's aggregate classification.

Literature cited by the submitters: PubMed 17576681 (cited by Labcorp Genetics (formerly Invitae), Labcorp); PubMed 9536098 (cited by Labcorp Genetics (formerly Invitae), Labcorp).

NM_023036.6(DNAI2):c.467+6G>A

Gene: DNAI2 (dynein axonemal intermediate chain 2; plus strand). Cytogenetic location: 17q25.1.
Variant type: single nucleotide variant.
Coding change: c.467+6G>A on transcript NM_023036.6 (MANE Select); 6 bases into the intron after coding-DNA position 467, G replaced by A.
Molecular consequence: intron variant.
Genome position (GRCh38, 1-based): chr17:74,287,104, G>A. VCF-style: chr17-74287104-G-A. GRCh37 (hg19) VCF-style: chr17-72283243-G-A.
Other names: c.467+6G>A (NM_001353167.2, NM_001172810.3).
Identifiers: ClinVar variation 642362 (VCV000642362.7), dbSNP rs1486894999, ClinGen allele CA774963011.